The following is an entry in ClinVar:

NM_005228.5(EGFR):c.3119C>T (p.Ala1040Val)

Gene: EGFR (epidermal growth factor receptor; plus strand). Cytogenetic location: 7p11.2.
Variant type: single nucleotide variant.
Coding change: c.3119C>T on transcript NM_005228.5 (MANE Select); coding-DNA position 3119, C replaced by T.
Protein change: p.Ala1040Val; replaces alanine 1040 with valine.
Molecular consequence: missense variant.
Genome position (GRCh38, 1-based): chr7:55,201,739, C>T. VCF-style: chr7-55201739-C-T. GRCh37 (hg19) VCF-style: chr7-55269432-C-T.
Other names: c.3119C>T (NM_005228.3); c.2984C>T, p.Ala995Val (NM_001346897.2, NM_001346899.2); c.3119C>T, p.Ala1040Val (NM_001346898.2); c.2960C>T, p.Ala987Val (NM_001346900.2); c.2318C>T, p.Ala773Val (NM_001346941.2); short protein forms A1040V, A773V, A987V, A995V.
Identifiers: ClinVar variation 1026264 (VCV001026264.9), dbSNP rs1787857611, ClinGen allele CA367582878.

ClinVar aggregate classification (germline): Uncertain significance. Review status: criteria provided, multiple submitters, no conflicts (2 of 4 stars). 2 submissions from 2 submitters: Uncertain significance (2). Last evaluated 2025-10-07.

Conditions:
Hereditary cancer-predisposing syndrome. Also called: Neoplastic Syndromes, Hereditary; Tumor predisposition; Hereditary Cancer Syndrome; Hereditary neoplastic syndrome. Identifiers: Orphanet 140162, MedGen C0027672, MeSH D009386, MONDO:0015356.
EGFR-related lung cancer (EGFR). Identifiers: MedGen CN130014.

Submissions (2):

Labcorp Genetics (formerly Invitae), Labcorp
Classification: Uncertain significance for EGFR-related lung cancer. Last evaluated: 2025-10-07. Review status: criteria provided, single submitter. Criteria: Invitae Variant Classification Sherloc (09022015). Collection method: clinical testing. Allele origin: germline.
Comment: This sequence change replaces alanine, which is neutral and non-polar, with valine, which is neutral and non-polar, at codon 1040 of the EGFR protein (p.Ala1040Val). This variant is not present in population databases (gnomAD no frequency). This variant has not been reported in the literature in individuals affected with EGFR-related conditions. ClinVar contains an entry for this variant (Variation ID: 1026264). An algorithm developed to predict the effect of missense changes on protein structure and function (PolyPhen-2) suggests that this variant is likely to be tolerated. In summary, the available evidence is currently insufficient to determine the role of this variant in disease. Therefore, it has been classified as a Variant of Uncertain Significance.

Ambry Genetics
Classification: Uncertain significance for Hereditary cancer-predisposing syndrome. Last evaluated: 2025-05-19. Review status: criteria provided, single submitter. Criteria: Ambry Variant Classification Scheme 2023. Collection method: clinical testing. Allele origin: germline.
Comment: The p.A1040V variant (also known as c.3119C>T), located in coding exon 26 of the EGFR gene, results from a C to T substitution at nucleotide position 3119. The alanine at codon 1040 is replaced by valine, an amino acid with similar properties. This amino acid position is conserved. In addition, this alteration is predicted to be tolerated by in silico analysis. Based on the available evidence, the clinical significance of this variant remains unclear.